The following is an entry in ClinVar:

NM_000038.6(APC):c.7600G>A (p.Glu2534Lys)

Gene: APC (APC regulator of Wnt signaling pathway; plus strand). Cytogenetic location: 5q22.2.
Variant type: single nucleotide variant.
Coding change: c.7600G>A on transcript NM_000038.6 (MANE Select); coding-DNA position 7600, G replaced by A.
Protein change: p.Glu2534Lys; replaces glutamic acid 2534 with lysine.
Molecular consequence: missense variant.
Genome position (GRCh38, 1-based): chr5:112,843,194, G>A. VCF-style: chr5-112843194-G-A. GRCh37 (hg19) VCF-style: chr5-112178891-G-A.
Other names: c.7600G>A, p.Glu2534Lys (NM_001127510.3, NM_001354895.2); c.7546G>A, p.Glu2516Lys (NM_001127511.3); c.7654G>A, p.Glu2552Lys (NM_001354896.2); c.7630G>A, p.Glu2544Lys (NM_001354897.2); c.7525G>A, p.Glu2509Lys (NM_001354898.2); c.7516G>A, p.Glu2506Lys (NM_001354899.2); c.7477G>A, p.Glu2493Lys (NM_001354900.2); c.7423G>A, p.Glu2475Lys (NM_001354901.2); and 5 more; short protein forms E2433K, E2443K, E2509K, E2552K, E2251K, E2408K, E2475K, E2374K.
Identifiers: ClinVar variation 949299 (VCV000949299.11), dbSNP rs1336219978, ClinGen allele CA16037839.
Genomic context (GRCh38, chr5:112,843,194, plus strand): 5'-ACTATAGAGTATAATGATGGAAGACCAGCAAAGCGCCATGATATTGCACGGTCTCATTCT[G>A]AAAGTCCTTCTAGACTTCCAATCAATAGGTCAGGAACCTGGAAACGTGAGCACAGCAAAC-3'
Protein context (NP_000029.2, residues 2524-2544): KRHDIARSHS[Glu2534Lys]SPSRLPINRS

ClinVar aggregate classification (germline): Uncertain significance (1 of 4 stars; one submission).

Conditions:
Familial adenomatous polyposis 1 (FAP1). Also called: FAMILIAL ADENOMATOUS POLYPOSIS 1, ATTENUATED; POLYPOSIS, ADENOMATOUS INTESTINAL. Identifiers: MedGen C2713442, MONDO:0021056, OMIM 175100. Disease mechanism: loss of function.

Allele frequency attached by ClinVar (database versions not stated): gnomAD exomes below 0.00001.
gnomAD v4.1: 1 of 1,613,568 alleles (0.000062%); highest among the groups gnomAD compares: Admixed American, 0.0017%; no homozygotes.

Submission:

Labcorp Genetics (formerly Invitae), Labcorp
Classification: Uncertain significance for Familial adenomatous polyposis 1. Last evaluated: 2019-04-07. Review status: criteria provided, single submitter. Criteria: Invitae Variant Classification Sherloc (09022015). Collection method: clinical testing. Allele origin: germline.
Comment: This variant has not been reported in the literature in individuals with APC-related conditions. This sequence change replaces glutamic acid with lysine at codon 2534 of the APC protein (p.Glu2534Lys). The glutamic acid residue is highly conserved and there is a small physicochemical difference between glutamic acid and lysine. This variant is not present in population databases (ExAC no frequency). Algorithms developed to predict the effect of missense changes on protein structure and function are either unavailable or do not agree on the potential impact of this missense change (SIFT: "Tolerated"; PolyPhen-2: "Probably Damaging"; Align-GVGD: "Class C0"). In summary, the available evidence is currently insufficient to determine the role of this variant in disease. Therefore, it has been classified as a Variant of Uncertain Significance.